The following is an entry in ClinVar:

NM_018136.5(ASPM):c.3391-14G>T

Gene: ASPM (assembly factor for spindle microtubules; minus strand). Cytogenetic location: 1q31.3.
Variant type: single nucleotide variant.
Coding change: c.3391-14G>T on transcript NM_018136.5 (MANE Select); 14 bases into the intron before coding-DNA position 3391, G replaced by T.
Molecular consequence: intron variant.
Genome position (GRCh38, 1-based): chr1:197,122,609, C>A on the plus strand (G>T on the coding strand, the complement: ASPM is on the minus strand). VCF-style: chr1-197122609-C-A. GRCh37 (hg19) VCF-style: chr1-197091739-C-A.
Other names: c.3391-14G>T (NM_001206846.2).
Identifiers: ClinVar variation 157804 (VCV000157804.18), dbSNP rs80058948, ClinGen allele CA171198.

ClinVar aggregate classification (germline): Benign. Review status: criteria provided, multiple submitters, no conflicts (2 of 4 stars). 6 submissions from 6 submitters: Benign (6). Last evaluated 2026-01-26.

Conditions:
Microcephaly 5, primary, autosomal recessive (MCPH5). Also called: ASPM Primary Microcephaly. Identifiers: Orphanet 2512, MedGen C1837501, MONDO:0012106, OMIM 608716.

Allele frequency attached by ClinVar (database versions not stated): gnomAD exomes 0.00488; ExAC 0.00955; gnomAD 0.01847 and 0.02003; ESP Exome Variant Server 0.02084; TOPMed 0.02149; 1000 Genomes Project 0.02356; 1000 Genomes Project 30x 0.02577.
gnomAD v4.1: 5,408 of 1,582,452 alleles (0.34%); highest among the groups gnomAD compares: African/African-American, 6.5%; 175 homozygotes.

Submissions (6):

Labcorp Genetics (formerly Invitae), Labcorp
Classification: Benign. Last evaluated: 2026-01-26. Review status: criteria provided, single submitter. Criteria: Invitae Variant Classification Sherloc (09022015). Collection method: clinical testing. Allele origin: germline.

Genome-Nilou Lab
Classification: Benign for Microcephaly 5, primary, autosomal recessive. Last evaluated: 2023-04-11. Review status: criteria provided, single submitter. Criteria: ACMG Guidelines, 2015. Collection method: clinical testing. Allele origin: germline. Affected: no.

Illumina Laboratory Services, Illumina
Classification: Benign for Microcephaly 5, primary, autosomal recessive. Last evaluated: 2018-01-13. Review status: criteria provided, single submitter. Criteria: ICSL Variant Classification Criteria 13 December 2019. Collection method: clinical testing. Allele origin: germline.
Comment: This variant was observed in the ICSL laboratory as part of a predisposition screen in an ostensibly healthy population. It had not been previously curated by ICSL or reported in the Human Gene Mutation Database (HGMD: prior to June 1st, 2018), and was therefore a candidate for classification through an automated scoring system. Utilizing variant allele frequency, disease prevalence and penetrance estimates, and inheritance mode, an automated score was calculated to assess if this variant is too frequent to cause the disease. Based on the score and internal cut-off values, a variant classified as benign is not then subjected to further curation. The score for this variant resulted in a classification of benign for this disease.

GeneDx
Classification: Benign. Last evaluated: 2016-03-22. Review status: criteria provided, single submitter. Criteria: GeneDx Variant Classification (06012015). Collection method: clinical testing. Allele origin: germline. Affected: yes.
Comment: This variant is considered likely benign or benign based on one or more of the following criteria: it is a conservative change, it occurs at a poorly conserved position in the protein, it is predicted to be benign by multiple in silico algorithms, and/or has population frequency not consistent with disease.

Genetic Services Laboratory, University of Chicago
Classification: Benign. Last evaluated: 2014-03-05. Review status: criteria provided, single submitter. Criteria: ACMG Guidelines, 2007. Collection method: clinical testing. Allele origin: germline. Inheritance: Autosomal recessive inheritance.

Breakthrough Genomics
Classification: Benign. Review status: criteria provided, single submitter. Criteria: ACMG Guidelines, 2015. Collection method: not provided. Allele origin: germline. Inheritance: Autosomal recessive inheritance. Affected: yes.